The following is an entry in ClinVar:

NM_144997.7(FLCN):c.243G>A (p.Met81Ile)

Gene: FLCN (folliculin; minus strand). Cytogenetic location: 17p11.2.
Variant type: single nucleotide variant.
Coding change: c.243G>A on transcript NM_144997.7 (MANE Select); coding-DNA position 243, G replaced by A.
Protein change: p.Met81Ile; replaces methionine 81 with isoleucine.
Molecular consequence: missense variant.
Genome position (GRCh38, 1-based): chr17:17,227,895, C>T on the plus strand (G>A on the coding strand, the complement: FLCN is on the minus strand). VCF-style: chr17-17227895-C-T. GRCh37 (hg19) VCF-style: chr17-17131209-C-T.
Other names: c.243G>A, p.Met81Ile (NM_001353229.2, NM_001353230.2, NM_001353231.2 and 1 more transcripts); short protein forms M81I.
Identifiers: ClinVar variation 1791310 (VCV001791310.2), dbSNP rs2145038510, ClinGen allele CA398535025.
Genomic context (GRCh38, chr17:17,227,895, plus strand): 5'-TCCATCCCACACCTACTGCAGGGATCACAAAACCAAGACCCCAAAGACACTTGCCTCGCA[C>T]ATGTCCGACTTTTTGGGCCCCGGGCTGCTGGACTCGACGCTGGCCCCCTCTGCGGGGCTG-3'
Protein context (NP_659434.2, residues 71-91): SSSPGPKKSD[Met81Ile]CEGCRSLAAG

ClinVar aggregate classification (germline): Uncertain significance (1 of 4 stars; one submission).

Conditions:
Hereditary cancer-predisposing syndrome. Also called: Hereditary Cancer Syndrome; Hereditary neoplastic syndrome; Tumor predisposition; Neoplastic Syndromes, Hereditary. Identifiers: Orphanet 140162, MedGen C0027672, MeSH D009386, MONDO:0015356.

Submission:

Ambry Genetics
Classification: Uncertain significance for Hereditary cancer-predisposing syndrome. Last evaluated: 2020-10-21. Review status: criteria provided, single submitter. Criteria: Ambry Variant Classification Scheme 2023. Collection method: clinical testing. Allele origin: germline.
Comment: The p.M81I variant (also known as c.243G>A), located in coding exon 1 of the FLCN gene, results from a G to A substitution at nucleotide position 243. The methionine at codon 81 is replaced by isoleucine, an amino acid with highly similar properties. This amino acid position is highly conserved in available vertebrate species. In addition, this alteration is predicted to be deleterious by in silico analysis. Since supporting evidence is limited at this time, the clinical significance of this alteration remains unclear.